The following is an entry in ClinVar:

NM_004082.5(DCTN1):c.1288-3C>T

Gene: DCTN1 (dynactin subunit 1; minus strand). Cytogenetic location: 2p13.1.
Variant type: single nucleotide variant.
Coding change: c.1288-3C>T on transcript NM_004082.5 (MANE Select); 3 bases into the intron before coding-DNA position 1288, C replaced by T.
Molecular consequence: intron variant.
Genome position (GRCh38, 1-based): chr2:74,370,072, G>A on the plus strand (C>T on the coding strand, the complement: DCTN1 is on the minus strand). VCF-style: chr2-74370072-G-A. GRCh37 (hg19) VCF-style: chr2-74597199-G-A.
Other names: p.?; c.1177-3C>T (NM_001190836.2); c.1219-3C>T (NM_001378992.1); c.1237-3C>T (NM_001378991.1); c.1228-3C>T (NM_001135040.3); c.1267-3C>T (NM_001190837.2); c.886-3C>T (NM_001135041.3, NM_023019.4).
Identifiers: ClinVar variation 259231 (VCV000259231.28), dbSNP rs72466490, ClinGen allele CA1722185.
Genomic context (GRCh38, chr2:74,370,072, plus strand): 5'-TCAGGTTCCGATCTGTCAGCATCTCCACCATCTCCTCAGCACCCAGAGCAGCATCCACCT[G>A]TGTTACGGGGAGGATAGGGAGAAGGGCTGCTGGAAGGTACCTAGAAAGAGGAGGCATCAA-3'

ClinVar aggregate classification (germline): Benign. Review status: criteria provided, multiple submitters, no conflicts (2 of 4 stars). 9 submissions from 8 submitters: Benign (9). Last evaluated 2026-01-31.

Conditions:
Amyotrophic lateral sclerosis type 1 (ALS1). Also called: AMYOTROPHIC LATERAL SCLEROSIS 1, FAMILIAL. Identifiers: Orphanet 803, MedGen C1862939, MONDO:0007103, OMIM 105400.
Neuronopathy, distal hereditary motor, type 7B. Also called: HMN VIIB; LOWER MOTOR NEURON DISEASE, DYNACTIN TYPE; Distal Hereditary Motor Neuronopathy Type 7B (dHMN7B); NEURONOPATHY, DISTAL HEREDITARY MOTOR, AUTOSOMAL DOMINANT 14; NEURONOPATHY, DISTAL HEREDITARY MOTOR, HARDING TYPE VIIB; NEUROPATHY, DISTAL HEREDITARY MOTOR, HARDING TYPE VIIB. Identifiers: Orphanet 139589, MedGen C1843315, MONDO:0011879, OMIM 607641.
Perry syndrome. Also called: PARKINSONISM WITH ALVEOLAR HYPOVENTILATION AND MENTAL DEPRESSION. Identifiers: Orphanet 178509, MedGen C1868594, MONDO:0008201, OMIM 168605.

Allele frequency attached by ClinVar (database versions not stated): gnomAD exomes 0.00113 and 0.00297; 1000 Genomes Project 30x 0.01468; ESP Exome Variant Server 0.01569; ExAC 0.00376; gnomAD 0.01207 and 0.01285; TOPMed 0.01355; 1000 Genomes Project 0.01418.
gnomAD v4.1: 3,572 of 1,614,156 alleles (0.22%); highest among the groups gnomAD compares: African/African-American, 4.2%; 74 homozygotes.

Submissions (15):

Labcorp Genetics (formerly Invitae), Labcorp
Classification: Benign for Amyotrophic lateral sclerosis type 1; Neuronopathy, distal hereditary motor, type 7B; Perry syndrome. Last evaluated: 2026-01-31. Review status: criteria provided, single submitter. Criteria: Invitae Variant Classification Sherloc (09022015). Collection method: clinical testing. Allele origin: germline.

Athena Diagnostics
Classification: Benign. Last evaluated: 2025-01-03. Review status: criteria provided, single submitter. Criteria: Athena Diagnostics Criteria. Collection method: clinical testing. Allele origin: unknown.
Comment: The frequency of this variant in the general population is higher than would generally be expected for pathogenic variants in this gene. Computational tools yielded predictions that this variant is unlikely to have an effect on normal RNA splicing.

Mayo Clinic Laboratories, Mayo Clinic
Classification: Benign. Last evaluated: 2023-11-07. Review status: criteria provided, single submitter. Criteria: ACMG Guidelines, 2015. Collection method: clinical testing. Allele origin: germline. Observed: 5 variant alleles.

ARUP Laboratories, Molecular Genetics and Genomics, ARUP Laboratories
Classification: Benign. Last evaluated: 2021-09-27. Review status: criteria provided, single submitter. Criteria: ARUP Molecular Germline Variant Investigation Process 2021. Collection method: clinical testing. Allele origin: germline.

GeneDx
Classification: Benign. Last evaluated: 2019-07-01. Review status: criteria provided, single submitter. Criteria: GeneDx Variant Classification Process June 2021. Collection method: clinical testing. Allele origin: germline. Affected: yes.

Illumina Laboratory Services, Illumina
Classification: Benign for Perry syndrome. Last evaluated: 2018-01-12. Review status: criteria provided, single submitter. Criteria: ICSL Variant Classification Criteria 13 December 2019. Collection method: clinical testing. Allele origin: germline.
Comment: This variant was observed in the ICSL laboratory as part of a predisposition screen in an ostensibly healthy population. It had not been previously curated by ICSL or reported in the Human Gene Mutation Database (HGMD: prior to June 1st, 2018), and was therefore a candidate for classification through an automated scoring system. Utilizing variant allele frequency, disease prevalence and penetrance estimates, and inheritance mode, an automated score was calculated to assess if this variant is too frequent to cause the disease. Based on the score and internal cut-off values, a variant classified as benign is not then subjected to further curation. The score for this variant resulted in a classification of benign for this disease.

Illumina Laboratory Services, Illumina
Classification: Benign for Neuronopathy, distal hereditary motor, type 7B. Last evaluated: 2018-01-12. Review status: criteria provided, single submitter. Criteria: ICSL Variant Classification Criteria 13 December 2019. Collection method: clinical testing. Allele origin: germline.
Comment: the same text as in the submission from Illumina Laboratory Services, Illumina above.

Breakthrough Genomics
Classification: Benign. Review status: criteria provided, single submitter. Criteria: ACMG Guidelines, 2015. Collection method: not provided. Allele origin: germline. Inheritance: Autosomal recessive inheritance. Affected: yes.

PreventionGenetics, part of Exact Sciences
Classification: Benign. Review status: criteria provided, single submitter. Criteria: ACMG Guidelines, 2015. Collection method: clinical testing. Allele origin: germline.

Dr. Peter K. Rogan Lab, Western University
No classification provided (evidence only). Condition: Clear cell carcinoma of kidney. Review status: no classification provided. Collection method: in vitro. Allele origin: not applicable. Functional consequence: retained intron. Not counted in ClinVar's aggregate classification.

Dr. Peter K. Rogan Lab, Western University
No classification provided (evidence only). Condition: Lung cancer. Review status: no classification provided. Collection method: in vitro. Allele origin: not applicable. Functional consequence: retained intron. Not counted in ClinVar's aggregate classification.

Dr. Peter K. Rogan Lab, Western University
No classification provided (evidence only). Condition: Lung cancer. Review status: no classification provided. Collection method: in vitro. Allele origin: not applicable. Functional consequence: retained intron. Not counted in ClinVar's aggregate classification.

Dr. Peter K. Rogan Lab, Western University
No classification provided (evidence only). Condition: Acute myeloid leukemia. Review status: no classification provided. Collection method: in vitro. Allele origin: not applicable. Functional consequence: retained intron. Not counted in ClinVar's aggregate classification.

Dr. Peter K. Rogan Lab, Western University
No classification provided (evidence only). Condition: Uterine corpus endometrial carcinoma. Review status: no classification provided. Collection method: in vitro. Allele origin: not applicable. Functional consequence: retained intron. Not counted in ClinVar's aggregate classification.

Dr. Peter K. Rogan Lab, Western University
No classification provided (evidence only). Condition: Uterine corpus endometrial carcinoma. Review status: no classification provided. Collection method: in vitro. Allele origin: not applicable. Functional consequence: retained intron. Not counted in ClinVar's aggregate classification.

Literature cited by the submitters: PubMed 19506225 (cited by Athena Diagnostics).